The following is an entry in ClinVar:

ClinVar aggregate classification (germline): Uncertain significance. Review status: criteria provided, multiple submitters, no conflicts (2 of 4 stars). 8 submissions from 8 submitters: Uncertain significance (8). Last evaluated 2026-05-06.

Conditions:
POLG-related disorder. Also called: POLG-Related Spectrum Disorders; POLG-related condition; POLG-Related Disorders. Identifiers: MedGen C4763519.
Mitochondrial DNA depletion syndrome 4b. Also called: Mitochondrial Neurogastrointestinal Encephalopathy Disease, POLG-Related; MNGIE, POLG-RELATED. Identifiers: Orphanet 298, MedGen C3150914, MONDO:0013350, OMIM 613662.
Progressive external ophthalmoplegia with mitochondrial DNA deletions, autosomal dominant 1 (PEOA1). Also called: Autosomal Dominant Progressive External Ophthalmoplegia (adPEO); PROGRESSIVE EXTERNAL OPHTHALMOPLEGIA, AUTOSOMAL DOMINANT 1. Identifiers: MedGen C1834846, MONDO:0024528, OMIM 157640.
Progressive external ophthalmoplegia with mitochondrial DNA deletions, autosomal recessive 1 (PEOB1). Also called: Progressive external ophthalmoplegia, autosomal recessive 1; Autosomal Recessive Progressive External Ophthalmoplegia (arPEO). Identifiers: Orphanet 254886, MedGen C4225153, MONDO:0009783, OMIM 258450.
Progressive sclerosing poliodystrophy (MTDPS4A). Also called: ALPERS PROGRESSIVE INFANTILE POLIODYSTROPHY; NEURONAL DEGENERATION OF CHILDHOOD WITH LIVER DISEASE, PROGRESSIVE; Alpers Syndrome; ALPERS DIFFUSE DEGENERATION OF CEREBRAL GRAY MATTER WITH HEPATIC CIRRHOSIS; Alpers-Huttenlocher Syndrome; Mitochondrial DNA Depletion Syndrome 4A. Identifiers: Orphanet 726, MedGen C0205710, MONDO:0008758, OMIM 203700.
Sensory ataxic neuropathy, dysarthria, and ophthalmoparesis (SANDO). Also called: Ataxia Neuropathy Spectrum (ANS); Sensory ataxic neuropathy-dysarthria-ophthalmoparesis syndrome; Epilepsy, progressive myoclonic, type 5; SENSORY ATAXIC NEUROPATHY WITH MITOCHONDRIAL DNA DELETIONS, AUTOSOMAL RECESSIVE. Identifiers: Orphanet 70595, MedGen C1843851, MONDO:0011835, OMIM 607459.
Mitochondrial DNA depletion syndrome 1. Also called: Mitochondrial neurogastrointestinal encephalomyopathy syndrome; Mitochondrial Neurogastrointestinal Encephalopathy Disease; MITOCHONDRIAL NEUROGASTROINTESTINAL ENCEPHALOPATHY SYNDROME, TYMP-RELATED; MNGIE, TYMP-RELATED; Mitochondrial DNA depletion syndrome 1 (MNGIE type); POLIP SYNDROME. Identifiers: Orphanet 298, MedGen C4551995, MONDO:0011283, OMIM 603041.
Inborn genetic diseases. Identifiers: MedGen C0950123, MeSH D030342.

Allele frequency attached by ClinVar (database versions not stated): gnomAD 0.00003; gnomAD exomes 0.00003 and 0.00011; TOPMed 0.00006; ExAC 0.00009.
gnomAD v4.1: 58 of 1,613,030 alleles (0.0036%); highest among the groups gnomAD compares: Admixed American, 0.055%; no homozygotes.

Submissions (8):

PreventionGenetics, part of Exact Sciences
Classification: Uncertain significance for POLG-related condition. Last evaluated: 2026-05-06. Review status: criteria provided, single submitter. Criteria: ACMG Guidelines, 2015. Collection method: clinical testing. Allele origin: germline.
Comment: The POLG c.2977C>T variant is predicted to result in the amino acid substitution p.Arg993Cys. This variant has been reported in an individual with late-onset Parkinson disease (Ylönen et al 2013. PubMed ID: 24122062). This variant is reported in 0.069% of alleles in individuals of Latino descent in gnomAD. At this time, the clinical significance of this variant is uncertain due to the absence of conclusive functional and genetic evidence.

Women's Health and Genetics/Laboratory Corporation of America, LabCorp
Classification: Uncertain significance. Last evaluated: 2025-11-10. Review status: criteria provided, single submitter. Criteria: LabCorp Variant Classification Summary - May 2015. Collection method: clinical testing. Allele origin: germline.
Comment: Variant summary: POLG c.2977C>T (p.Arg993Cys) results in a non-conservative amino acid change in the encoded protein sequence. Algorithms developed to predict the effect of missense changes on protein structure and function all suggest that this variant is likely to be disruptive. The variant allele was found at a frequency of 0.00011 in 250286 control chromosomes. This frequency is not significantly higher than estimated for disease-causing variants in POLG, allowing no conclusion about variant significance. c.2977C>T has been reported in the literature in at least 1 individual affected with features of Parkinsons Disease (example, Ylonen_2013 cited in Hsieh_2019). These data do not allow any conclusion about variant significance. To our knowledge, no experimental evidence demonstrating an impact on protein function has been reported. The following publications have been ascertained in the context of this evaluation (PMID: 30941926, 24122062, 29793804, 32502631). ClinVar contains an entry for this variant (Variation ID: 405570). Based on the evidence outlined above, the variant was classified as uncertain significance.

Labcorp Genetics (formerly Invitae), Labcorp
Classification: Uncertain significance for Progressive sclerosing poliodystrophy. Last evaluated: 2025-01-30. Review status: criteria provided, single submitter. Criteria: Invitae Variant Classification Sherloc (09022015). Collection method: clinical testing. Allele origin: germline.
Comment: This sequence change replaces arginine, which is basic and polar, with cysteine, which is neutral and slightly polar, at codon 993 of the POLG protein (p.Arg993Cys). This variant is present in population databases (rs551811489, gnomAD 0.07%). This variant has not been reported in the literature in individuals affected with POLG-related conditions. ClinVar contains an entry for this variant (Variation ID: 405570). Invitae Evidence Modeling of protein sequence and biophysical properties (such as structural, functional, and spatial information, amino acid conservation, physicochemical variation, residue mobility, and thermodynamic stability) indicates that this missense variant is expected to disrupt POLG protein function with a positive predictive value of 95%. In summary, the available evidence is currently insufficient to determine the role of this variant in disease. Therefore, it has been classified as a Variant of Uncertain Significance.

GeneDx
Classification: Uncertain significance. Last evaluated: 2024-12-26. Review status: criteria provided, single submitter. Criteria: GeneDx Variant Classification Process June 2021. Collection method: clinical testing. Allele origin: germline. Affected: yes.
Comment: In silico analysis supports that this missense variant has a deleterious effect on protein structure/function; This variant is associated with the following publications: (PMID: 30941926, 32502631, 24122062)

Blueprint Genetics
Classification: Uncertain significance. Last evaluated: 2023-09-06. Review status: criteria provided, single submitter. Criteria: ACMG Guidelines, 2015. Collection method: clinical testing. Allele origin: germline.

Fulgent Genetics
Classification: Uncertain significance for Progressive external ophthalmoplegia with mitochondrial DNA deletions, autosomal dominant 1; Progressive sclerosing poliodystrophy; Progressive external ophthalmoplegia with mitochondrial DNA deletions, autosomal recessive 1; Mitochondrial DNA depletion syndrome 1; Sensory ataxic neuropathy, dysarthria, and ophthalmoparesis; Mitochondrial DNA depletion syndrome 4b. Last evaluated: 2022-02-14. Review status: criteria provided, single submitter. Criteria: ACMG Guidelines, 2015. Collection method: clinical testing. Allele origin: unknown.

Ambry Genetics
Classification: Uncertain significance for Inborn genetic diseases. Last evaluated: 2019-08-22. Review status: criteria provided, single submitter. Criteria: Ambry Variant Classification Scheme 2023. Collection method: clinical testing. Allele origin: germline.
Comment: The p.R993C variant (also known as c.2977C>T), located in coding exon 17 of the POLG gene, results from a C to T substitution at nucleotide position 2977. The arginine at codon 993 is replaced by cysteine, an amino acid with highly dissimilar properties. This variant was identified in conjunction with two additional POLG vairants in an individual with parkinsonism without progressive external ophthalmoplegia (Hsieh PC et al. Brain Behav, 2019 May;9:e01281). This amino acid position is highly conserved in available vertebrate species. In addition, this alteration is predicted to be deleterious by in silico analysis. Since supporting evidence is limited at this time, the clinical significance of this alteration remains unclear.

Eurofins Ntd Llc (ga)
Classification: Uncertain significance. Last evaluated: 2018-04-20. Review status: criteria provided, single submitter. Criteria: EGL ClinVar v180209 classification definitions. Collection method: clinical testing. Allele origin: germline. Observed: 1 variant allele, 1 heterozygote.

Literature cited by the submitters: PubMed 32502631 (cited by Women's Health and Genetics/Laboratory Corporation of America, LabCorp); PubMed 30941926 (cited by Women's Health and Genetics/Laboratory Corporation of America, LabCorp and Ambry Genetics); PubMed 24122062 (cited by Women's Health and Genetics/Laboratory Corporation of America, LabCorp); PubMed 29793804 (cited by Women's Health and Genetics/Laboratory Corporation of America, LabCorp).

NM_002693.3(POLG):c.2977C>T (p.Arg993Cys)

Gene: POLG (DNA polymerase gamma, catalytic subunit; minus strand). Cytogenetic location: 15q26.1.
Variant type: single nucleotide variant.
Coding change: c.2977C>T on transcript NM_002693.3 (MANE Select); coding-DNA position 2977, C replaced by T.
Protein change: p.Arg993Cys; replaces arginine 993 with cysteine.
Molecular consequence: missense variant.
Genome position (GRCh38, 1-based): chr15:89,320,770, G>A on the plus strand (C>T on the coding strand, the complement: POLG is on the minus strand). VCF-style: chr15-89320770-G-A. GRCh37 (hg19) VCF-style: chr15-89864001-G-A.
Other names: c.2977C>T, p.Arg993Cys (NM_001126131.2); short protein forms R993C.
Identifiers: ClinVar variation 405570 (VCV000405570.29), dbSNP rs551811489, ClinGen allele CA7724314.
Genomic context (GRCh38, chr15:89,320,770, plus strand): 5'-CAGTAAAGCAGGCCTCGGGTCCTGGGTGTTAAAGTGGATGGGAGAGGGACCCTCACCAGC[G>A]GAGGCCCTTGGTGGCAGCGTACATCTGCTGGGCCTTCTCAGCTGCCTCCTGCTGTGTGAG-3'
Protein context (NP_002684.1, residues 983-1003): QQMYAATKGL[Arg993Cys]WYRLSDEGEW